The following is an entry in ClinVar:

ClinVar aggregate classification (germline): Uncertain significance. Review status: criteria provided, multiple submitters, no conflicts (2 of 4 stars). 2 submissions from 2 submitters: Uncertain significance (2). Last evaluated 2025-07-21.

Conditions:
Polycystic kidney disease 2 (PKD2). Also called: POLYCYSTIC KIDNEY DISEASE, ADULT, TYPE II; Polycystic Kidney Disease 2, Autosomal Dominant; POLYCYSTIC KIDNEY DISEASE 2 WITH OR WITHOUT POLYCYSTIC LIVER DISEASE. Identifiers: MedGen C2751306, MONDO:0013131, OMIM 613095.

Submissions (2):

Women's Health and Genetics/Laboratory Corporation of America, LabCorp
Classification: Uncertain significance. Last evaluated: 2025-07-21. Review status: criteria provided, single submitter. Criteria: LabCorp Variant Classification Summary - May 2015. Collection method: clinical testing. Allele origin: germline.
Comment: Variant summary: PKD2 c.1567G>A (p.Gly523Arg) results in a non-conservative amino acid change in the encoded protein sequence. Algorithms developed to predict the effect of missense changes on protein structure and function are either unavailable or do not agree on the potential impact of this missense change. The variant was absent in 250146 control chromosomes. The available data on variant occurrences in the general population are insufficient to allow any conclusion about variant significance. c.1567G>A has been observed in an individual affected with Polycystic Kidney Disease 2 (Lin_2023). These data do not allow any conclusion about variant significance. To our knowledge, no experimental evidence demonstrating an impact on protein function has been reported. The following publication have been ascertained in the context of this evaluation (PMID: 36773205). ClinVar contains an entry for this variant (Variation ID: 3591392). Based on the evidence outlined above, the variant was classified as uncertain significance.

Fulgent Genetics
Classification: Uncertain significance for Polycystic kidney disease 2. Last evaluated: 2024-05-22. Review status: criteria provided, single submitter. Criteria: ACMG Guidelines, 2015. Collection method: clinical testing. Allele origin: germline.

Literature cited by the submitters: PubMed 36773205 (cited by Women's Health and Genetics/Laboratory Corporation of America, LabCorp).

NM_000297.4(PKD2):c.1567G>A (p.Gly523Arg)

Gene: PKD2 (polycystin 2, transient receptor potential cation channel; plus strand). Cytogenetic location: 4q22.1.
Variant type: single nucleotide variant.
Coding change: c.1567G>A on transcript NM_000297.4 (MANE Select); coding-DNA position 1567, G replaced by A.
Protein change: p.Gly523Arg; replaces glycine 523 with arginine.
Molecular consequence: missense variant. On other transcripts: non-coding transcript variant (1).
Genome position (GRCh38, 1-based): chr4:88,052,009, G>A. VCF-style: chr4-88052009-G-A. GRCh37 (hg19) VCF-style: chr4-88973161-G-A.
Other names: short protein forms G523R.
Identifiers: ClinVar variation 3591392 (VCV003591392.2).